The following is an entry in ClinVar:

NM_016373.4(WWOX):c.231-129T>A

Gene: WWOX (WW domain containing oxidoreductase; plus strand). Cytogenetic location: 16q23.1.
Variant type: single nucleotide variant.
Coding change: c.231-129T>A on transcript NM_016373.4 (MANE Select); 129 bases into the intron before coding-DNA position 231, T replaced by A.
Molecular consequence: intron variant.
Genome position (GRCh38, 1-based): chr16:78,114,847, T>A. VCF-style: chr16-78114847-T-A. GRCh37 (hg19) VCF-style: chr16-78148744-T-A.
Other names: c.-109-129T>A (NM_001291997.2); c.231-129T>A (NM_130791.5).
Identifiers: ClinVar variation 670313 (VCV000670313.1), dbSNP rs2072587, ClinGen allele CA284522894.

ClinVar aggregate classification (germline): Benign (1 of 4 stars; one submission).

Allele frequency attached by ClinVar (database versions not stated): gnomAD 0.04660 and 0.04980; TOPMed 0.05078; gnomAD exomes 0.06007; 1000 Genomes Project 30x 0.06964; 1000 Genomes Project 0.07488.
gnomAD v4.1: 68,775 of 1,169,756 alleles (5.9%); highest among the groups gnomAD compares: East Asian, 25%; 3,262 homozygotes.

Submission:

GeneDx
Classification: Benign. Last evaluated: 2018-06-14. Review status: criteria provided, single submitter. Criteria: GeneDx Variant Classification (06012015). Collection method: clinical testing. Allele origin: germline. Affected: yes.
Comment: This variant is considered likely benign or benign based on one or more of the following criteria: it is a conservative change, it occurs at a poorly conserved position in the protein, it is predicted to be benign by multiple in silico algorithms, and/or has population frequency not consistent with disease.